The following is an entry in ClinVar:

NM_001035.3(RYR2):c.9544T>C (p.Ser3182Pro)

Gene: RYR2 (ryanodine receptor 2; plus strand). Cytogenetic location: 1q43.
Variant type: single nucleotide variant.
Coding change: c.9544T>C on transcript NM_001035.3 (MANE Select); coding-DNA position 9544, T replaced by C.
Protein change: p.Ser3182Pro; replaces serine 3182 with proline.
Molecular consequence: missense variant.
Genome position (GRCh38, 1-based): chr1:237,705,307, T>C. VCF-style: chr1-237705307-T-C. GRCh37 (hg19) VCF-style: chr1-237868607-T-C.
Other names: short protein forms S3182P.
Identifiers: ClinVar variation 4757585 (VCV004757585.1).

ClinVar aggregate classification (germline): Uncertain significance (1 of 4 stars; one submission).

Conditions:
Cardiomyopathy (CMYO). Also called: Cardiomyopathies. Identifiers: Orphanet 167848, MedGen C0878544, MONDO:0004994, HP:0001638. Inheritance: Various modes of inheritance.

gnomAD v4.1: 1 of 1,604,892 alleles (0.000062%); highest among the groups gnomAD compares: Non-Finnish European, 0.000085%; no homozygotes.

Submission:

Color Diagnostics, LLC DBA Color Health
Classification: Uncertain significance for Cardiomyopathy. Last evaluated: 2025-07-07. Review status: criteria provided, single submitter. Criteria: ACMG Guidelines, 2015. Collection method: clinical testing. Allele origin: germline.
Comment: This missense variant replaces serine with proline at codon 3182 of the RYR2 protein. Computational prediction suggests that this variant may have deleterious impact on protein structure and function. To our knowledge, functional studies have not been reported for this variant. This variant has not been reported in individuals affected with RYR2-related disorders in the literature. This variant has not been identified in the general population by the Genome Aggregation Database (gnomAD). The available evidence is insufficient to determine the role of this variant in disease conclusively. Therefore, this variant is classified as a Variant of Uncertain Significance.